The following is an entry in ClinVar:

ClinVar aggregate classification (germline): Pathogenic/Likely pathogenic. Review status: criteria provided, multiple submitters, no conflicts (2 of 4 stars). 4 submissions from 4 submitters: Pathogenic (1); Likely pathogenic (3). Last evaluated 2024-10-04.

Conditions:
Vici syndrome (VICIS). Identifiers: Orphanet 1493, MedGen C1855772, MONDO:0009452, OMIM 242840.

Allele frequency attached by ClinVar (database versions not stated): gnomAD exomes 0.00001; TOPMed 0.00001.
gnomAD v4.1: 6 of 1,613,608 alleles (0.00037%); highest among the groups gnomAD compares: South Asian, 0.0011%; no homozygotes.

Submissions (4):

Dubai Health Genomic Medicine Center, Dubai Health
Classification: Likely pathogenic for Vici syndrome. Last evaluated: 2024-10-04. Review status: criteria provided, single submitter. Criteria: ACMG Guidelines, 2015. Collection method: research. Allele origin: germline. Affected: yes.
Comment: PVS1,PM2

Fulgent Genetics
Classification: Likely pathogenic for Vici syndrome. Last evaluated: 2024-06-06. Review status: criteria provided, single submitter. Criteria: ACMG Guidelines, 2015. Collection method: clinical testing. Allele origin: germline.

Labcorp Genetics (formerly Invitae), Labcorp
Classification: Pathogenic for Vici syndrome. Last evaluated: 2023-12-27. Review status: criteria provided, single submitter. Criteria: Invitae Variant Classification Sherloc (09022015). Collection method: clinical testing. Allele origin: germline.
Comment: This sequence change creates a premature translational stop signal (p.Arg417*) in the EPG5 gene. It is expected to result in an absent or disrupted protein product. Loss-of-function variants in EPG5 are known to be pathogenic (PMID: 23222957, 23674064). This variant is present in population databases (no rsID available, gnomAD 0.003%). This premature translational stop signal has been observed in individual(s) with Vici syndrome (PMID: 26917586). ClinVar contains an entry for this variant (Variation ID: 626232). For these reasons, this variant has been classified as Pathogenic.

SIB Swiss Institute of Bioinformatics
Classification: Likely pathogenic for Vici syndrome. Last evaluated: 2019-01-17. Review status: criteria provided, single submitter. Criteria: ACMG Guidelines, 2015. Collection method: curation. Allele origin: unknown.
Comment: This variant is interpreted as a Likely pathogenic for Vici syndrome, autosomal recessive. The following ACMG Tag(s) were applied: PM2 => Absent from controls (or at extremely low frequency if recessive) in Exome Sequencing Project, 1000 Genomes Project, or Exome Aggregation Consortium. PVS1 => Predicted nullvariant in a gene where LOF is a known mechanism of disease.

ClinGen:CA299790613

Literature cited by the submitters: PubMed 23222957 (cited by Labcorp Genetics (formerly Invitae), Labcorp); PubMed 23674064 (cited by Labcorp Genetics (formerly Invitae), Labcorp); PubMed 26917586 (cited by Labcorp Genetics (formerly Invitae), Labcorp and SIB Swiss Institute of Bioinformatics).

NM_020964.3(EPG5):c.1249C>T (p.Arg417Ter)

Gene: EPG5 (ectopic P-granules 5 autophagy tethering factor; minus strand). Cytogenetic location: 18q21.1.
Variant type: single nucleotide variant.
Coding change: c.1249C>T on transcript NM_020964.3 (MANE Select); coding-DNA position 1249, C replaced by T.
Protein change: p.Arg417Ter; replaces arginine 417 with a stop codon.
Molecular consequence: nonsense.
Genome position (GRCh38, 1-based): chr18:45,952,403, G>A on the plus strand (C>T on the coding strand, the complement: EPG5 is on the minus strand). VCF-style: chr18-45952403-G-A. GRCh37 (hg19) VCF-style: chr18-43532369-G-A.
Other names: c.1249C>T, p.Arg417Ter (LRG_1234t1); short protein forms R417*.
Identifiers: ClinVar variation 626232 (VCV000626232.7), dbSNP rs961245497, ClinGen allele CA299790613.